The following is an entry in ClinVar:

NM_001366385.1(CARD14):c.1675C>T (p.Arg559Trp)

Gene: CARD14 (caspase recruitment domain family member 14; plus strand). Cytogenetic location: 17q25.3.
Variant type: single nucleotide variant.
Coding change: c.1675C>T on transcript NM_001366385.1 (MANE Select); coding-DNA position 1675, C replaced by T.
Protein change: p.Arg559Trp; replaces arginine 559 with tryptophan.
Molecular consequence: missense variant. On other transcripts: non-coding transcript variant (1).
Genome position (GRCh38, 1-based): chr17:80,198,415, C>T. VCF-style: chr17-80198415-C-T. GRCh37 (hg19) VCF-style: chr17-78172214-C-T.
Other names: c.1675C>T (NM_024110.3); c.1675C>T, p.Arg559Trp (NM_001257970.1, NM_024110.4); c.964C>T, p.Arg322Trp (NM_052819.3); short protein forms R322W, R559W.
Identifiers: ClinVar variation 2180028 (VCV002180028.6), dbSNP rs771451722, ClinGen allele CA8816949.
Genomic context (GRCh38, chr17:80,198,415, plus strand): 5'-CCTGCTCTGGGCAGTGCACAAGCCGGTCGTCTCCCGGCCTGCAGCGGCGTCCTCATGCGG[C>T]GGAGGCCAGCCCGCAGGATCCTGAGCCAGGTCACCATGCTGGCGTTCCAGGGGGATGCAT-3'
Protein context (NP_001353314.1, residues 549-569): DVSESGVLMR[Arg559Trp]RPARRILSQV

ClinVar aggregate classification (germline): Uncertain significance. Review status: criteria provided, multiple submitters, no conflicts (2 of 4 stars). 2 submissions from 2 submitters: Uncertain significance (2). Last evaluated 2023-05-03.

Conditions:
Inborn genetic diseases. Identifiers: MedGen C0950123, MeSH D030342.
Pityriasis rubra pilaris (PRP). Also called: Pityriasis rubra pilaris--familial type. Identifiers: Orphanet 2897, MedGen C0032027, MONDO:0100017, OMIM 173200, MONDO:0008251.
Psoriasis 2. Identifiers: MedGen C1864497, MONDO:0011269, OMIM 602723.

Allele frequency attached by ClinVar (database versions not stated): ExAC 0.00001; gnomAD 0.00003; TOPMed 0.00003.
gnomAD v4.1: 19 of 1,604,128 alleles (0.0012%); highest among the groups gnomAD compares: African/African-American, 0.004%; no homozygotes.

Submissions (2):

Ambry Genetics
Classification: Uncertain significance for Inborn genetic diseases. Last evaluated: 2023-05-03. Review status: criteria provided, single submitter. Criteria: Ambry Variant Classification Scheme 2023. Collection method: clinical testing. Allele origin: germline.

Labcorp Genetics (formerly Invitae), Labcorp
Classification: Uncertain significance for Pityriasis rubra pilaris; Psoriasis 2. Last evaluated: 2023-01-21. Review status: criteria provided, single submitter. Criteria: Invitae Variant Classification Sherloc (09022015). Collection method: clinical testing. Allele origin: germline.
Comment: In summary, the available evidence is currently insufficient to determine the role of this variant in disease. Therefore, it has been classified as a Variant of Uncertain Significance. Advanced modeling of protein sequence and biophysical properties (such as structural, functional, and spatial information, amino acid conservation, physicochemical variation, residue mobility, and thermodynamic stability) performed at Invitae indicates that this missense variant is expected to disrupt CARD14 protein function. This variant has not been reported in the literature in individuals affected with CARD14-related conditions. This variant is present in population databases (rs771451722, gnomAD 0.01%). This sequence change replaces arginine, which is basic and polar, with tryptophan, which is neutral and slightly polar, at codon 559 of the CARD14 protein (p.Arg559Trp).